The following is an entry in ClinVar:

NM_003073.5(SMARCB1):c.479AGA[1] (p.Lys161del)

Gene: SMARCB1 (SWI/SNF related BAF chromatin remodeling complex subunit B1; plus strand). Cytogenetic location: 22q11.23.
Variant type: Microsatellite.
Coding change: c.479AGA[1] on transcript NM_003073.5 (MANE Select); one copy of the 3-base unit AGA starting at c.479; the reference has two copies in a row; one copy, 3 bases deleted.
Protein change: p.Lys161del; deletes lysine 161.
Genome position (GRCh38, 1-based): chr22:23,801,063-23,801,065, AGA deleted; deleting any 3 consecutive bases within chr22:23,801,059-23,801,065 gives the same sequence; the position shown is the placement nearest the transcript's 3' end. VCF-style (leftmost placement, unchanged base first): chr22-23801058-CAAG-C. GRCh37 (hg19) VCF-style: chr22-24143245-CAAG-C.
Other names: c.452AGA[1], p.Lys152del (NM_001007468.3, NM_001317946.2); c.479AGA[1], p.Lys161del (NM_001362877.2); short protein forms K152del, K161del.
Identifiers: ClinVar variation 3664321 (VCV003664321.2).

ClinVar aggregate classification (germline): Uncertain significance (1 of 4 stars; one submission).

Submission:

Labcorp Genetics (formerly Invitae), Labcorp
Classification: Uncertain significance. Last evaluated: 2024-09-03. Review status: criteria provided, single submitter. Criteria: Invitae Variant Classification Sherloc (09022015). Collection method: clinical testing. Allele origin: germline.
Comment: This variant, c.482_484del, results in the deletion of 1 amino acid(s) of the SMARCB1 protein (p.Lys161del), but otherwise preserves the integrity of the reading frame. This variant is not present in population databases (gnomAD no frequency). This variant has not been reported in the literature in individuals affected with SMARCB1-related conditions. Experimental studies and prediction algorithms are not available or were not evaluated, and the functional significance of this variant is currently unknown. In summary, the available evidence is currently insufficient to determine the role of this variant in disease. Therefore, it has been classified as a Variant of Uncertain Significance.